The following is an entry in ClinVar:

ClinVar aggregate classification (germline): Uncertain significance (1 of 4 stars; one submission).

Allele frequency attached by ClinVar (database versions not stated): gnomAD exomes below 0.00001; ExAC 0.00001.
gnomAD v4.1: 2 of 1,613,894 alleles (0.00012%); highest among the groups gnomAD compares: Admixed American, 0.0017%; no homozygotes.

Submission:

Labcorp Genetics (formerly Invitae), Labcorp
Classification: Uncertain significance. Last evaluated: 2025-01-20. Review status: criteria provided, single submitter. Criteria: Invitae Variant Classification Sherloc (09022015). Collection method: clinical testing. Allele origin: germline.
Comment: This sequence change replaces glutamic acid, which is acidic and polar, with lysine, which is basic and polar, at codon 137 of the PTHLH protein (p.Glu137Lys). This variant is present in population databases (rs766251569, gnomAD 0.003%). This variant has not been reported in the literature in individuals affected with PTHLH-related conditions. ClinVar contains an entry for this variant (Variation ID: 2813253). An algorithm developed to predict the effect of missense changes on protein structure and function (PolyPhen-2) suggests that this variant is likely to be disruptive. In summary, the available evidence is currently insufficient to determine the role of this variant in disease. Therefore, it has been classified as a Variant of Uncertain Significance.

NM_198965.2(PTHLH):c.409G>A (p.Glu137Lys)

Gene: PTHLH (parathyroid hormone like hormone; minus strand). Cytogenetic location: 12p11.22.
Variant type: single nucleotide variant.
Coding change: c.409G>A on transcript NM_198965.2 (MANE Select); coding-DNA position 409, G replaced by A.
Protein change: p.Glu137Lys; replaces glutamic acid 137 with lysine.
Molecular consequence: missense variant.
Genome position (GRCh38, 1-based): chr12:27,963,463, C>T on the plus strand (G>A on the coding strand, the complement: PTHLH is on the minus strand). VCF-style: chr12-27963463-C-T. GRCh37 (hg19) VCF-style: chr12-28116396-C-T.
Other names: c.409G>A, p.Glu137Lys (NM_002820.3, NM_198964.2, NM_198966.2); short protein forms E137K.
Identifiers: ClinVar variation 2813253 (VCV002813253.3), dbSNP rs766251569, ClinGen allele CA6494908.